The following is an entry in ClinVar:

NM_201596.3(CACNB2):c.670+9G>A

Gene: CACNB2 (calcium voltage-gated channel auxiliary subunit beta 2; plus strand). Cytogenetic location: 10p12.31.
Variant type: single nucleotide variant.
Coding change: c.670+9G>A on transcript NM_201596.3 (MANE Select); 9 bases into the intron after coding-DNA position 670, G replaced by A.
Molecular consequence: intron variant.
Genome position (GRCh38, 1-based): chr10:18,506,556, G>A. VCF-style: chr10-18506556-G-A. GRCh37 (hg19) VCF-style: chr10-18795485-G-A.
Other names: c.586+9G>A (NM_201571.4, NM_001167945.2, NM_201572.4); c.670+9G>A (NM_201593.3, NM_201597.3); c.505+9G>A (NM_000724.4, NM_001330060.2); c.508+9G>A (NM_201590.3); c.526+9G>A (NM_201570.3).
Identifiers: ClinVar variation 386836 (VCV000386836.11), dbSNP rs767064261, ClinGen allele CA5429685.

ClinVar aggregate classification (germline): Likely benign. Review status: criteria provided, multiple submitters, no conflicts (2 of 4 stars). 4 submissions from 4 submitters: Likely benign (4). Last evaluated 2025-12-29.

Conditions:
Brugada syndrome 4 (BRGDA4). Identifiers: Orphanet 130, MedGen C2678477, MONDO:0012743, OMIM 611876.

Allele frequency attached by ClinVar (database versions not stated): TOPMed below 0.00001; gnomAD exomes 0.00001; ExAC 0.00002.
gnomAD v4.1: 8 of 1,540,086 alleles (0.00052%); highest among the groups gnomAD compares: Middle Eastern, 0.1%; no homozygotes.

Submissions (4):

Labcorp Genetics (formerly Invitae), Labcorp
Classification: Likely benign for Brugada syndrome 4. Last evaluated: 2025-12-29. Review status: criteria provided, single submitter. Criteria: Invitae Variant Classification Sherloc (09022015). Collection method: clinical testing. Allele origin: germline.

Blueprint Genetics
Classification: Likely benign. Last evaluated: 2021-03-05. Review status: criteria provided, single submitter. Criteria: ACMG Guidelines, 2015. Collection method: clinical testing. Allele origin: germline.

GeneDx
Classification: Likely benign. Last evaluated: 2016-06-13. Review status: criteria provided, single submitter. Criteria: GeneDx Variant Classification (06012015). Collection method: clinical testing. Allele origin: germline. Affected: yes.
Comment: This variant is considered likely benign or benign based on one or more of the following criteria: it is a conservative change, it occurs at a poorly conserved position in the protein, it is predicted to be benign by multiple in silico algorithms, and/or has population frequency not consistent with disease.

Breakthrough Genomics
Classification: Likely benign. Review status: criteria provided, single submitter. Criteria: ACMG Guidelines, 2015. Collection method: not provided. Allele origin: germline. Inheritance: Autosomal dominant inheritance. Affected: yes.